The following is an entry in ClinVar:

NM_018486.3(HDAC8):c.103C>A (p.Pro35Thr)

Gene: HDAC8 (histone deacetylase 8; minus strand). Cytogenetic location: Xq13.1.
Variant type: single nucleotide variant.
Coding change: c.103C>A on transcript NM_018486.3 (MANE Select); coding-DNA position 103, C replaced by A.
Protein change: p.Pro35Thr; replaces proline 35 with threonine.
Molecular consequence: missense variant. On other transcripts: non-coding transcript variant (5).
Genome position (GRCh38, 1-based): chrX:72,572,659, G>T on the plus strand (C>A on the coding strand, the complement: HDAC8 is on the minus strand). VCF-style: chrX-72572659-G-T. GRCh37 (hg19) VCF-style: chrX-71792509-G-T.
Other names: c.103C>A, p.Pro35Thr (NM_001166418.2, NM_001166419.2, NM_001166420.2 and 8 more transcripts); short protein forms P35T.
Identifiers: ClinVar variation 4769031 (VCV004769031.1).

ClinVar aggregate classification (germline): Uncertain significance (1 of 4 stars; one submission).

Conditions:
Cornelia de Lange syndrome 5 (CDLS5). Also called: HDAC8-Related Cornelia de Lange Syndrome. Identifiers: Orphanet 199, MedGen C3550903, MONDO:0010471, OMIM 300882.

Submission:

Labcorp Genetics (formerly Invitae), Labcorp
Classification: Uncertain significance for Cornelia de Lange syndrome 5. Last evaluated: 2025-05-21. Review status: criteria provided, single submitter. Criteria: Invitae Variant Classification Sherloc (09022015). Collection method: clinical testing. Allele origin: germline.
Comment: This sequence change replaces proline, which is neutral and non-polar, with threonine, which is neutral and polar, at codon 35 of the HDAC8 protein (p.Pro35Thr). This variant is not present in population databases (gnomAD no frequency). This variant has not been reported in the literature in individuals affected with HDAC8-related conditions. Invitae Evidence Modeling of protein sequence and biophysical properties (such as structural, functional, and spatial information, amino acid conservation, physicochemical variation, residue mobility, and thermodynamic stability) indicates that this missense variant is not expected to disrupt HDAC8 protein function with a negative predictive value of 80%. In summary, the available evidence is currently insufficient to determine the role of this variant in disease. Therefore, it has been classified as a Variant of Uncertain Significance.